The following is an entry in ClinVar:

NM_012330.4(KAT6B):c.3296A>G (p.Glu1099Gly)

Gene: KAT6B (lysine acetyltransferase 6B; plus strand). Cytogenetic location: 10q22.2.
Variant type: single nucleotide variant.
Coding change: c.3296A>G on transcript NM_012330.4 (MANE Select); coding-DNA position 3296, A replaced by G.
Protein change: p.Glu1099Gly; replaces glutamic acid 1099 with glycine.
Molecular consequence: missense variant.
Genome position (GRCh38, 1-based): chr10:75,022,155, A>G. VCF-style: chr10-75022155-A-G. GRCh37 (hg19) VCF-style: chr10-76781913-A-G.
Other names: c.2747A>G, p.Glu916Gly (NM_001256468.2, NM_001370138.1); c.2420A>G, p.Glu807Gly (NM_001256469.2, NM_001370139.1, NM_001370140.1 and 2 more transcripts); c.2258A>G, p.Glu753Gly (NM_001370132.1); c.1607A>G, p.Glu536Gly (NM_001370133.1); c.1211A>G, p.Glu404Gly (NM_001370134.1); c.953A>G, p.Glu318Gly (NM_001370135.1); c.3296A>G, p.Glu1099Gly (NM_001370136.1, NM_001370137.1); c.2231A>G, p.Glu744Gly (NM_001370143.1, NM_001370144.1); short protein forms E807G, E318G, E744G, E404G, E536G, E1099G, E753G, E916G.
Identifiers: ClinVar variation 2100616 (VCV002100616.4), dbSNP rs1845475217, ClinGen allele CA377284890.
Genomic context (GRCh38, chr10:75,022,155, plus strand): 5'-AGGAGGAAGAAGAGGAGGAAGAAGAGGAAGAGGATGAAGAGGAGGAAGAAGAGGAAGAAG[A>G]AGAAGAAGAAGAAGAAAATATTCAAAGCTCTCCCCCAAGATTGACGAAACCACAGTCAGT-3'
Protein context (NP_036462.2, residues 1089-1109): EDEEEEEEEE[Glu1099Gly]EEEEENIQSS

ClinVar aggregate classification (germline): Uncertain significance (1 of 4 stars; one submission).

Conditions:
Genitopatellar syndrome (GTPTS). Also called: ABSENT PATELLAE, SCROTAL HYPOPLASIA, RENAL ANOMALIES, FACIAL DYSMORPHISM, AND MENTAL RETARDATION; Genitopatellar syndrome (GPS). Identifiers: Orphanet 85201, MedGen C1853566, MONDO:0011640, OMIM 606170.

Allele frequency attached by ClinVar (database versions not stated): TOPMed 0.00001.

Submission:

Labcorp Genetics (formerly Invitae), Labcorp
Classification: Uncertain significance for Genitopatellar syndrome. Last evaluated: 2022-02-20. Review status: criteria provided, single submitter. Criteria: Invitae Variant Classification Sherloc (09022015). Collection method: clinical testing. Allele origin: germline.
Comment: In summary, the available evidence is currently insufficient to determine the role of this variant in disease. Therefore, it has been classified as a Variant of Uncertain Significance. Algorithms developed to predict the effect of missense changes on protein structure and function (SIFT, PolyPhen-2, Align-GVGD) all suggest that this variant is likely to be tolerated. This variant has not been reported in the literature in individuals affected with KAT6B-related conditions. This variant is not present in population databases (gnomAD no frequency). This sequence change replaces glutamic acid, which is acidic and polar, with glycine, which is neutral and non-polar, at codon 1099 of the KAT6B protein (p.Glu1099Gly).